The following is an entry in ClinVar:

ClinVar aggregate classification (germline): Likely benign (1 of 4 stars; one submission).

Allele frequency attached by ClinVar (database versions not stated): ExAC 0.00004; gnomAD exomes 0.00004.

Submission:

CeGaT Center for Human Genetics Tuebingen
Classification: Likely benign. Last evaluated: 2022-03-01. Review status: criteria provided, single submitter. Criteria: CeGaT Center For Human Genetics Tuebingen Variant Classification Criteria Version 2. Collection method: clinical testing. Allele origin: germline. Affected: yes. Observed: 1 variant allele.
Comment: FAM47C: BP4, BP7

NM_001013736.3(FAM47C):c.1842C>T (p.Arg614=)

Gene: FAM47C (family with sequence similarity 47 member C; plus strand). Cytogenetic location: Xp21.1.
Variant type: single nucleotide variant.
Coding change: c.1842C>T on transcript NM_001013736.3 (MANE Select); coding-DNA position 1842, C replaced by T.
Protein change: p.Arg614=; no amino-acid change (arginine 614 retained).
Molecular consequence: synonymous variant.
Genome position (GRCh38, 1-based): chrX:37,010,252, C>T. VCF-style: chrX-37010252-C-T. GRCh37 (hg19) VCF-style: chrX-37028325-C-T.
Identifiers: ClinVar variation 2660273 (VCV002660273.24), dbSNP rs200423838, ClinGen allele CA10382907.
Genomic context (GRCh38, chrX:37,010,252, plus strand): 5'-CCCCCCGGAGCCCCCCGAGACTGGAGTGTCCCATCTCTGCCCGGAGCCTCCAGAGACTCG[C>T]GTATCTCATCTCCGCCCAGAGCCTCCTGAGACTGGAGTGTCCCATCTCCGCCCAGAGCCT-3'
Protein context (NP_001013758.1, residues 604-624): SHLCPEPPET[Arg614=]VSHLRPEPPE